The following is an entry in ClinVar:

ClinVar aggregate classification (germline): Conflicting classifications of pathogenicity. Review status: criteria provided, conflicting classifications (1 of 4 stars). 4 submissions from 4 submitters: Uncertain significance (2); Likely benign (2). Last evaluated 2026-01-28.

Conditions:
Inborn genetic diseases. Identifiers: MedGen C0950123, MeSH D030342.
Fraser syndrome 1 (FRASRS1). Also called: CRYPTOPHTHALMOS WITH OTHER MALFORMATIONS. Identifiers: Orphanet 2052, MedGen C4551480, MONDO:0054737, OMIM 219000.

Allele frequency attached by ClinVar (database versions not stated): gnomAD 0.00227 and 0.00241; TOPMed 0.00254; ESP Exome Variant Server 0.00298; 1000 Genomes Project 0.00339; 1000 Genomes Project 30x 0.00359.
gnomAD v4.1: 680 of 1,613,614 alleles (0.042%); highest among the groups gnomAD compares: African/African-American, 0.83%; 3 homozygotes.

Submissions (4):

Labcorp Genetics (formerly Invitae), Labcorp
Classification: Likely benign. Last evaluated: 2026-01-28. Review status: criteria provided, single submitter. Criteria: Invitae Variant Classification Sherloc (09022015). Collection method: clinical testing. Allele origin: germline.

Ambry Genetics
Classification: Uncertain significance for Inborn genetic diseases. Last evaluated: 2025-11-25. Review status: criteria provided, single submitter. Criteria: Ambry Variant Classification Scheme 2023. Collection method: clinical testing. Allele origin: germline.

Illumina Laboratory Services, Illumina
Classification: Likely benign for Fraser syndrome 1. Last evaluated: 2018-01-13. Review status: criteria provided, single submitter. Criteria: ICSL Variant Classification Criteria 13 December 2019. Collection method: clinical testing. Allele origin: germline.
Comment: This variant was observed in the ICSL laboratory as part of a predisposition screen in an ostensibly healthy population. It had not been previously curated by ICSL or reported in the Human Gene Mutation Database (HGMD: prior to June 1st, 2018), and was therefore a candidate for classification through an automated scoring system. Utilizing variant allele frequency, disease prevalence and penetrance estimates, and inheritance mode, an automated score was calculated to assess if this variant is too frequent to cause the disease. Based on the score and internal cut-off values, a variant classified as likely benign is not then subjected to further curation. The score for this variant resulted in a classification of likely benign for this disease.

Eurofins Ntd Llc (ga)
Classification: Uncertain significance. Last evaluated: 2016-07-26. Review status: criteria provided, single submitter. Criteria: EGL Classification Definitions 2015. Collection method: clinical testing. Allele origin: germline. Observed: 2 variant alleles, 2 heterozygotes.

NM_025074.7(FRAS1):c.7033G>A (p.Glu2345Lys)

Gene: FRAS1 (Fraser extracellular matrix complex subunit 1; plus strand). Cytogenetic location: 4q21.21.
Variant type: single nucleotide variant.
Coding change: c.7033G>A on transcript NM_025074.7 (MANE Select); coding-DNA position 7033, G replaced by A.
Protein change: p.Glu2345Lys; replaces glutamic acid 2345 with lysine.
Molecular consequence: missense variant.
Genome position (GRCh38, 1-based): chr4:78,466,211, G>A. VCF-style: chr4-78466211-G-A. GRCh37 (hg19) VCF-style: chr4-79387365-G-A.
Other names: short protein forms E2345K.
Identifiers: ClinVar variation 289624 (VCV000289624.20), dbSNP rs56291926, ClinGen allele CA2977978.